The following is an entry in ClinVar:

NM_001754.5(RUNX1):c.*83G>A

Gene: RUNX1 (RUNX family transcription factor 1; minus strand). Cytogenetic location: 21q22.12.
Variant type: single nucleotide variant.
Coding change: c.*83G>A on transcript NM_001754.5 (MANE Select); 83 bases downstream of the stop codon, G replaced by A.
Molecular consequence: 3 prime UTR variant.
Genome position (GRCh38, 1-based): chr21:34,792,052, C>T on the plus strand (G>A on the coding strand, the complement: RUNX1 is on the minus strand). VCF-style: chr21-34792052-C-T. GRCh37 (hg19) VCF-style: chr21-36164349-C-T.
Other names: c.*83G>A (NM_001001890.3).
Identifiers: ClinVar variation 1701963 (VCV001701963.3), dbSNP rs2145870845, ClinGen allele CA2577483375.

ClinVar aggregate classification (germline): Uncertain significance. Review status: reviewed by expert panel (3 of 4 stars). 2 submissions from 2 submitters: Uncertain significance (1). 1 of the submissions does not count toward it. Last evaluated 2025-01-15.

Conditions:
Hereditary thrombocytopenia and hematologic cancer predisposition syndrome. Identifiers: Orphanet 71290, MedGen CN281654, MONDO:0011071.
Acute myeloid leukemia (AML). Also called: Leukemia, acute myeloid, somatic; Leukemia, acute myelogenous, somatic; Acute myeloid leukemia, adult; AML adult; Acute non-lymphocytic leukemia; Acute granulocytic leukemia. Identifiers: Orphanet 519, MedGen C0023467, MeSH D015470, MONDO:0018874, OMIM 601626, HP:0004808. Disease mechanism: Constitutively activated FLT3.

gnomAD v4.1: 5 of 899,184 alleles (0.00056%); highest among the groups gnomAD compares: Non-Finnish European, 0.00077%; no homozygotes.

Submissions (2):

ClinGen Myeloid Malignancy Variant Curation Expert Panel
Classification: Uncertain significance for Hereditary thrombocytopenia and hematologic cancer predisposition syndrome. Last evaluated: 2025-01-15. Review status: reviewed by expert panel. Criteria: ClinGen MyeloMalig ACMG Specifications v2. Collection method: curation. Allele origin: germline. Inheritance: Autosomal dominant inheritance.
Comment: NM_001754.5(RUNX1):c.*83G>A is a 3' UTR variant which is completely absent from all population databases with at least 20x coverage for RUNX1 (PM2_Supporting). In summary, the clinical significance of this variant is uncertain. ACMG/AMP criteria applied, as specified by the Myeloid Malignancy Variant Curation Expert Panel for RUNX1: PM2_supporting.

Nadeem Sheikh Lab, University of the Punjab
Classification: Uncertain significance for Acute Myeloid Leukemia. Review status: no assertion criteria provided. Collection method: clinical testing. Allele origin: somatic. Affected: yes. Not counted in ClinVar's aggregate classification.